The following is an entry in ClinVar:

ClinVar aggregate classification (germline): Uncertain significance. Review status: criteria provided, multiple submitters, no conflicts (2 of 4 stars). 2 submissions from 2 submitters: Uncertain significance (2). Last evaluated 2024-03-05.

Conditions:
Inborn genetic diseases. Identifiers: MedGen C0950123, MeSH D030342.
Developmental and epileptic encephalopathy, 32 (DEE32). Also called: Epileptic encephalopathy, early infantile, 32. Identifiers: Orphanet 442835, MedGen C4225350, MONDO:0014607, OMIM 616366.

Submissions (2):

Labcorp Genetics (formerly Invitae), Labcorp
Classification: Uncertain significance for Developmental and epileptic encephalopathy, 32. Last evaluated: 2024-03-05. Review status: criteria provided, single submitter. Criteria: Invitae Variant Classification Sherloc (09022015). Collection method: clinical testing. Allele origin: germline.
Comment: This sequence change replaces tryptophan, which is neutral and slightly polar, with arginine, which is basic and polar, at codon 232 of the KCNA2 protein (p.Trp232Arg). This variant is not present in population databases (gnomAD no frequency). This variant has not been reported in the literature in individuals affected with KCNA2-related conditions. ClinVar contains an entry for this variant (Variation ID: 521733). Advanced modeling of protein sequence and biophysical properties (such as structural, functional, and spatial information, amino acid conservation, physicochemical variation, residue mobility, and thermodynamic stability) performed at Invitae indicates that this missense variant is expected to disrupt KCNA2 protein function with a positive predictive value of 80%. In summary, the available evidence is currently insufficient to determine the role of this variant in disease. Therefore, it has been classified as a Variant of Uncertain Significance.

Ambry Genetics
Classification: Uncertain significance for Inborn genetic diseases. Last evaluated: 2017-05-01. Review status: criteria provided, single submitter. Criteria: Ambry exome assertion method (8-5-2015). Collection method: clinical testing. Allele origin: germline. Affected: yes. Observed: 1 variant allele.

NM_004974.4(KCNA2):c.694T>A (p.Trp232Arg)

Gene: KCNA2 (potassium voltage-gated channel subfamily A member 2; minus strand). Cytogenetic location: 1p13.3.
Variant type: single nucleotide variant.
Coding change: c.694T>A on transcript NM_004974.4 (MANE Select); coding-DNA position 694, T replaced by A.
Protein change: p.Trp232Arg; replaces tryptophan 232 with arginine.
Molecular consequence: missense variant.
Genome position (GRCh38, 1-based): chr1:110,604,089, A>T on the plus strand (T>A on the coding strand, the complement: KCNA2 is on the minus strand). VCF-style: chr1-110604089-A-T. GRCh37 (hg19) VCF-style: chr1-111146711-A-T.
Other names: c.694T>A, p.Trp232Arg (NM_001204269.2); short protein forms W232R.
Identifiers: ClinVar variation 521733 (VCV000521733.6), dbSNP rs1553181370, ClinGen allele CA341603421.